The following is an entry in ClinVar:

NM_014244.5(ADAMTS2):c.68T>C (p.Leu23Pro)

Gene: ADAMTS2 (ADAM metallopeptidase with thrombospondin type 1 motif 2; minus strand). Cytogenetic location: 5q35.3.
Variant type: single nucleotide variant.
Coding change: c.68T>C on transcript NM_014244.5 (MANE Select); coding-DNA position 68, T replaced by C.
Protein change: p.Leu23Pro; replaces leucine 23 with proline.
Molecular consequence: missense variant.
Genome position (GRCh38, 1-based): chr5:179,345,261, A>G on the plus strand (T>C on the coding strand, the complement: ADAMTS2 is on the minus strand). VCF-style: chr5-179345261-A-G. GRCh37 (hg19) VCF-style: chr5-178772262-A-G.
Other names: p.Leu23Pro; c.68T>C, p.Leu23Pro (NM_021599.4); short protein forms L23P.
Identifiers: ClinVar variation 372811 (VCV000372811.59), dbSNP rs565885690, ClinGen allele CA3596394.

ClinVar aggregate classification (germline): Conflicting classifications of pathogenicity. Review status: criteria provided, conflicting classifications (1 of 4 stars). 10 submissions from 10 submitters: Uncertain significance (2); Benign (5); Likely benign (3). Last evaluated 2026-09-01.

Conditions:
Ehlers-Danlos syndrome (EDS). Identifiers: Orphanet 98249, MedGen C0013720, MONDO:0020066.
Ehlers-Danlos syndrome, dermatosparaxis type. Also called: Dermatosparaxis; Ehlers-Danlos syndrome, type VII, autosomal recessive; EDS VIIC. Identifiers: Orphanet 1901, MedGen C2700425, MONDO:0009161, OMIM 225410.
Inborn genetic diseases. Identifiers: MedGen C0950123, MeSH D030342.

Allele frequency attached by ClinVar (database versions not stated): ExAC below 0.00001; 1000 Genomes Project 0.00240; gnomAD exomes 0.00422 and 0.01066; TOPMed 0.00669; gnomAD 0.00705 and 0.00707.
gnomAD v4.1: 9,497 of 939,412 alleles (1%); highest among the groups gnomAD compares: Middle Eastern, 2.5%; 39 homozygotes.

Submissions (10):

CeGaT Center for Human Genetics Tuebingen
Classification: Benign. Last evaluated: 2026-09-01. Review status: criteria provided, single submitter. Criteria: CeGaT Center For Human Genetics Tuebingen Variant Classification Criteria Version 2. Collection method: clinical testing. Allele origin: germline. Affected: yes. Observed: 49 variant alleles.
Comment: ADAMTS2: BS1, BS2

Labcorp Genetics (formerly Invitae), Labcorp
Classification: Benign for Ehlers-Danlos syndrome, dermatosparaxis type. Last evaluated: 2026-02-04. Review status: criteria provided, single submitter. Criteria: Invitae Variant Classification Sherloc (09022015). Collection method: clinical testing. Allele origin: germline.

Mayo Clinic Laboratories, Mayo Clinic
Classification: Likely benign. Last evaluated: 2025-09-26. Review status: criteria provided, single submitter. Criteria: ACMG Guidelines, 2015. Collection method: clinical testing. Allele origin: germline. Observed: 84 variant alleles.
Comment: BS1, BP4_moderate

Blueprint Genetics
Classification: Likely benign. Last evaluated: 2024-11-26. Review status: criteria provided, single submitter. Criteria: ACMG Guidelines, 2015. Collection method: clinical testing. Allele origin: germline.

Women's Health and Genetics/Laboratory Corporation of America, LabCorp
Classification: Benign. Last evaluated: 2022-11-14. Review status: criteria provided, single submitter. Criteria: LabCorp Variant Classification Summary - May 2015. Collection method: clinical testing. Allele origin: germline.
Comment: Variant summary: ADAMTS2 c.68T>C (p.Leu23Pro) results in a non-conservative amino acid change in the encoded protein sequence. Four of five in-silico tools predict a benign effect of the variant on protein function. The variant allele was found at a frequency of 0.0071 in 142800 control chromosomes, predominantly at a frequency of 0.011 within the non-Finnish European subpopulation in the gnomAD database, including 6 homozygotes. The observed variant frequency within non-Finnish European control individuals in the gnomAD database is approximately 4-fold of the estimated maximal expected allele frequency for a pathogenic variant in ADAMTS2 causing Ehlers-Danlos Syndrome, Type VIIC (Dermatosparaxis) phenotype (0.0029), strongly suggesting that the variant is a benign polymorphism. To our knowledge, no occurrence of c.68T>C in individuals affected with Ehlers-Danlos Syndrome, Type VIIC (Dermatosparaxis) and no experimental evidence demonstrating its impact on protein function have been reported. Six other submitters have provided clinical-significance assessments for this variant in ClinVar after 2014, mostly without evidence for independent evaluation, and classified the variant as VUS (n=1), likely benign (n=1) / benign (n=4). Based on the evidence outlined above, the variant was classified as benign.

Genome Diagnostics Laboratory, The Hospital for Sick Children
Classification: Benign for Ehlers-Danlos syndrome. Last evaluated: 2022-07-14. Review status: criteria provided, single submitter. Criteria: ACMG Guidelines, 2015. Collection method: clinical testing. Allele origin: germline.

Ambry Genetics
Classification: Uncertain significance for Inborn genetic diseases. Last evaluated: 2021-08-02. Review status: criteria provided, single submitter. Criteria: Ambry Variant Classification Scheme 2023. Collection method: clinical testing. Allele origin: germline.

Eurofins Ntd Llc (ga)
Classification: Benign. Last evaluated: 2018-06-06. Review status: criteria provided, single submitter. Criteria: EGL ClinVar v180209 classification definitions. Collection method: clinical testing. Allele origin: germline. Observed: 1 variant allele, 1 heterozygote.

Illumina Laboratory Services, Illumina
Classification: Likely benign for Ehlers-Danlos syndrome, dermatosparaxis type. Last evaluated: 2018-01-12. Review status: criteria provided, single submitter. Criteria: ICSL Variant Classification Criteria 13 December 2019. Collection method: clinical testing. Allele origin: germline.
Comment: This variant was observed in the ICSL laboratory as part of a predisposition screen in an ostensibly healthy population. It had not been previously curated by ICSL or reported in the Human Gene Mutation Database (HGMD: prior to June 1st, 2018), and was therefore a candidate for classification through an automated scoring system. Utilizing variant allele frequency, disease prevalence and penetrance estimates, and inheritance mode, an automated score was calculated to assess if this variant is too frequent to cause the disease. Based on the score and internal cut-off values, a variant classified as likely benign is not then subjected to further curation. The score for this variant resulted in a classification of likely benign for this disease.

GeneDx
Classification: Uncertain significance. Last evaluated: 2016-11-23. Review status: criteria provided, single submitter. Criteria: GeneDx Variant Classification (06012015). Collection method: clinical testing. Allele origin: germline. Affected: yes.
Comment: The L23P variant in the ADAMTS2 gene has not been reported previously as a pathogenic variant, nor as a benign variant, to our knowledge. The 1000 Genomes Database reports L23P was observed in 9/1322 0.68%) alleles from individuals of African background and in 3/1006 (0.3%) alleles from individuals of European background. The L23P variant is a semi-conservative amino acid substitution, which may impact secondary protein structure as these residues differ in some properties. This substitution occurs at a position that is not conserved and in silico analysis predicts this variant likely does not alter the protein structure/function. We interpret L23P as a variant of uncertain significance.